The following is an entry in ClinVar:

NM_153704.6(TMEM67):c.1561C>T (p.His521Tyr)

Gene: TMEM67 (transmembrane protein 67; plus strand). Cytogenetic location: 8q22.1.
Variant type: single nucleotide variant.
Coding change: c.1561C>T on transcript NM_153704.6 (MANE Select); coding-DNA position 1561, C replaced by T.
Protein change: p.His521Tyr; replaces histidine 521 with tyrosine.
Molecular consequence: missense variant. On other transcripts: non-coding transcript variant (1).
Genome position (GRCh38, 1-based): chr8:93,791,305, C>T. VCF-style: chr8-93791305-C-T. GRCh37 (hg19) VCF-style: chr8-94803533-C-T.
Other names: c.1318C>T, p.His440Tyr (NM_001142301.1); c.1561C>T (NM_153704.5); short protein forms H440Y, H521Y.
Identifiers: ClinVar variation 1514728 (VCV001514728.8), dbSNP rs558566529, ClinGen allele CA4808012.
Genomic context (GRCh38, chr8:93,791,305, plus strand): 5'-TTTTGTTTTAAATATCAGGTTTCTTTCTCAGTCACATATGAAATGGATCATGGAGAAGCA[C>T]ATGTCCAGACAGATGTAAGTTTATTTTAACCTTTTAAAATATATACAGTGTATTTTATAA-3'
Protein context (NP_714915.3, residues 511-531): VTYEMDHGEA[His521Tyr]VQTDIALGVL

ClinVar aggregate classification (germline): Uncertain significance. Review status: criteria provided, multiple submitters, no conflicts (2 of 4 stars). 4 submissions from 4 submitters: Uncertain significance (4). Last evaluated 2026-09-22.

Conditions:
Inborn genetic diseases. Identifiers: MedGen C0950123, MeSH D030342.
TMEM67-related disorder. Also called: TMEM67-related condition; TMEM67-related disorders. Identifiers: MedGen CN239423.
Joubert syndrome. Also called: Familial aplasia of the vermis; JOUBERT-BOLTSHAUSER SYNDROME. Identifiers: Orphanet 475, MedGen C5979921, MONDO:0018772.
Meckel-Gruber syndrome. Also called: Dysencephalia splachnocystica; DYSENCEPHALIA SPLANCHNOCYSTICA; GRUBER SYNDROME. Identifiers: Orphanet 564, MedGen C0265215, MONDO:0018921.
Nephronophthisis 11 (NPHP11). Identifiers: Orphanet 84081, MedGen C3150796, MONDO:0013302, OMIM 613550.
Bardet-Biedl syndrome 14 (BBS14). Identifiers: Orphanet 110, MedGen C2673874, MONDO:0014442, OMIM 615991.
RHYNS syndrome. Also called: RETINITIS PIGMENTOSA SYNDROME; RETINITIS PIGMENTOSA, HYPOPITUITARISM, NEPHRONOPHTHISIS, AND MILD SKELETAL DYSPLASIA. Identifiers: Orphanet 140976, MedGen C1865794, MONDO:0011202, OMIM 602152.
Meckel syndrome, type 3 (MKS3). Also called: MECKEL-GRUBER SYNDROME, TYPE 3. Identifiers: Orphanet 564, MedGen C1846357, MONDO:0011821, OMIM 607361.
COACH syndrome 1. Identifiers: Orphanet 1454, MedGen C5435651, MONDO:0800103, OMIM 216360, MONDO:0008996.
Joubert syndrome 6 (JBTS6). Identifiers: Orphanet 475, MedGen C1853153, MONDO:0012539, OMIM 610688.

Allele frequency attached by ClinVar (database versions not stated): gnomAD exomes 0.00002 and below 0.00001; ExAC 0.00003; gnomAD 0.00005; TOPMed 0.00010; 1000 Genomes Project 0.00020; 1000 Genomes Project 30x 0.00031.
gnomAD v4.1: 13 of 1,601,082 alleles (0.00081%); highest among the groups gnomAD compares: African/African-American, 0.012%; no homozygotes.

Submissions (4):

PreventionGenetics, part of Exact Sciences
Classification: Uncertain significance for TMEM67-related condition. Last evaluated: 2026-09-22. Review status: criteria provided, single submitter. Criteria: ACMG Guidelines, 2015. Collection method: clinical testing. Allele origin: germline.
Comment: The TMEM67 c.1561C>T variant is predicted to result in the amino acid substitution p.His521Tyr. To our knowledge, this variant has not been reported in the literature. This variant is reported in 0.020% of alleles in individuals of African descent in gnomAD. At this time, the clinical significance of this variant is uncertain due to the absence of conclusive functional and genetic evidence.

Ambry Genetics
Classification: Uncertain significance for Inborn genetic diseases. Last evaluated: 2024-09-30. Review status: criteria provided, single submitter. Criteria: Ambry Variant Classification Scheme 2023. Collection method: clinical testing. Allele origin: germline.

Fulgent Genetics
Classification: Uncertain significance for COACH syndrome 1; RHYNS syndrome; Meckel syndrome, type 3; Joubert syndrome 6; Nephronophthisis 11; Bardet-Biedl syndrome 14. Last evaluated: 2024-04-18. Review status: criteria provided, single submitter. Criteria: ACMG Guidelines, 2015. Collection method: clinical testing. Allele origin: germline.

Labcorp Genetics (formerly Invitae), Labcorp
Classification: Uncertain significance for Joubert syndrome; Meckel-Gruber syndrome. Last evaluated: 2022-03-29. Review status: criteria provided, single submitter. Criteria: Invitae Variant Classification Sherloc (09022015). Collection method: clinical testing. Allele origin: germline.
Comment: This sequence change replaces histidine, which is basic and polar, with tyrosine, which is neutral and polar, at codon 521 of the TMEM67 protein (p.His521Tyr). This variant is present in population databases (rs558566529, gnomAD 0.02%). This variant has not been reported in the literature in individuals affected with TMEM67-related conditions. Advanced modeling of protein sequence and biophysical properties (such as structural, functional, and spatial information, amino acid conservation, physicochemical variation, residue mobility, and thermodynamic stability) performed at Invitae indicates that this missense variant is not expected to disrupt TMEM67 protein function. In summary, the available evidence is currently insufficient to determine the role of this variant in disease. Therefore, it has been classified as a Variant of Uncertain Significance.